The following is an entry in ClinVar:

NM_022773.4(LMF1):c.817A>T (p.Ile273Phe)

Gene: LMF1 (lipase maturation factor 1; minus strand). Cytogenetic location: 16p13.3.
Variant type: single nucleotide variant.
Coding change: c.817A>T on transcript NM_022773.4 (MANE Select); coding-DNA position 817, A replaced by T.
Protein change: p.Ile273Phe; replaces isoleucine 273 with phenylalanine.
Molecular consequence: missense variant. On other transcripts: non-coding transcript variant (1).
Genome position (GRCh38, 1-based): chr16:879,650, T>A on the plus strand (A>T on the coding strand, the complement: LMF1 is on the minus strand). VCF-style: chr16-879650-T-A. GRCh37 (hg19) VCF-style: chr16-929650-T-A.
Other names: c.166A>T, p.Ile56Phe (NM_001352017.2, NM_001352021.2); c.418A>T, p.Ile140Phe (NM_001352018.2); c.490A>T, p.Ile164Phe (NM_001352019.2); c.817A>T, p.Ile273Phe (NM_001352020.1); short protein forms I164F, I273F, I56F, I140F.
Identifiers: ClinVar variation 4824662 (VCV004824662.1).

ClinVar aggregate classification (germline): Uncertain significance (1 of 4 stars; one submission).

Conditions:
Cardiovascular phenotype. Identifiers: MedGen CN230736.

Submission:

Ambry Genetics
Classification: Uncertain significance for Cardiovascular phenotype. Last evaluated: 2026-02-19. Review status: criteria provided, single submitter. Criteria: Ambry Variant Classification Scheme 2023. Collection method: clinical testing. Allele origin: germline.
Comment: The p.I273F variant (also known as c.817A>T), located in coding exon 6 of the LMF1 gene, results from an A to T substitution at nucleotide position 817. The isoleucine at codon 273 is replaced by phenylalanine, an amino acid with highly similar properties. This amino acid position is conserved. In addition, this alteration is predicted to be tolerated by in silico analysis. Based on the available evidence, the clinical significance of this variant remains unclear.